The following is an entry in ClinVar:

NM_001282531.3(ADNP):c.1159C>A (p.Gln387Lys)

Gene: ADNP (activity dependent neuroprotector homeobox; minus strand). Cytogenetic location: 20q13.13.
Variant type: single nucleotide variant.
Coding change: c.1159C>A on transcript NM_001282531.3 (MANE Select); coding-DNA position 1159, C replaced by A.
Protein change: p.Gln387Lys; replaces glutamine 387 with lysine.
Molecular consequence: missense variant.
Genome position (GRCh38, 1-based): chr20:50,893,555, G>T on the plus strand (C>A on the coding strand, the complement: ADNP is on the minus strand). VCF-style: chr20-50893555-G-T. GRCh37 (hg19) VCF-style: chr20-49510092-G-T.
Other names: c.1159C>A, p.Gln387Lys (NM_001282532.2, NM_001347511.2, NM_015339.5 and 1 more transcripts); short protein forms Q387K.
Identifiers: ClinVar variation 2229426 (VCV002229426.2), dbSNP rs2515586789, ClinGen allele CA408974414.
Genomic context (GRCh38, chr20:50,893,555, plus strand): 5'-ACTGGCCCGATGAGAGAGAAGAGGCATTAGCAGACTGCAGGGAGTATCTTGCTGGTGCCT[G>T]GGACCTCTGCTCTGACCCAAGCCCATAAGACCTTCCGTTTCCACTTGGAAGTAACTGCTT-3'
Protein context (NP_001269460.1, residues 377-397): SYGLGSEQRS[Gln387Lys]APARYSLQSA

ClinVar aggregate classification (germline): Uncertain significance (1 of 4 stars; one submission).

Conditions:
Inborn genetic diseases. Identifiers: MedGen C0950123, MeSH D030342.

gnomAD v4.1: 2 of 1,613,954 alleles (0.00012%); highest among the groups gnomAD compares: Non-Finnish European, 0.00017%; no homozygotes.

Submission:

Ambry Genetics
Classification: Uncertain significance for Inborn genetic diseases. Last evaluated: 2021-03-08. Review status: criteria provided, single submitter. Criteria: Ambry Variant Classification Scheme 2023. Collection method: clinical testing. Allele origin: germline.
Comment: The c.1159C>A (p.Q387K) alteration is located in exon 5 (coding exon 3) of the ADNP gene. This alteration results from a C to A substitution at nucleotide position 1159, causing the glutamine (Q) at amino acid position 387 to be replaced by a lysine (K). The p.Q387K alteration is predicted to be tolerated by in silico analysis. Based on insufficient or conflicting evidence, the clinical significance of this alteration remains unclear.